The following is an entry in ClinVar:

NM_020754.4(ARHGAP31):c.349-7T>G

Gene: ARHGAP31 (Rho GTPase activating protein 31; plus strand). Cytogenetic location: 3q13.33.
Variant type: single nucleotide variant.
Coding change: c.349-7T>G on transcript NM_020754.4 (MANE Select); 7 bases into the intron before coding-DNA position 349, T replaced by G.
Molecular consequence: intron variant.
Genome position (GRCh38, 1-based): chr3:119,380,897, T>G. VCF-style: chr3-119380897-T-G. GRCh37 (hg19) VCF-style: chr3-119099744-T-G.
Identifiers: ClinVar variation 281905 (VCV000281905.51), dbSNP rs200397968, ClinGen allele CA2553541.

ClinVar aggregate classification (germline): Benign/Likely benign. Review status: criteria provided, multiple submitters, no conflicts (2 of 4 stars). 10 submissions from 10 submitters: Benign (2); Likely benign (5). 3 of the submissions do not count toward it. Last evaluated 2026-01-27.

Conditions:
Adams-Oliver syndrome 1 (AOS1). Also called: APLASIA CUTIS CONGENITA WITH TERMINAL TRANSVERSE LIMB DEFECTS; CONGENITAL SCALP DEFECTS WITH DISTAL LIMB REDUCTION ANOMALIES; ABSENCE DEFECT OF LIMBS, SCALP, AND SKULL. Identifiers: Orphanet 974, MedGen C4551482, MONDO:0024506, OMIM 100300.

Allele frequency attached by ClinVar (database versions not stated): 1000 Genomes Project 0.00100; 1000 Genomes Project 30x 0.00109; ExAC 0.00131; gnomAD 0.00164 and 0.00173; ESP Exome Variant Server 0.00166; TOPMed 0.00167.
gnomAD v4.1: 3,793 of 1,613,920 alleles (0.24%); highest among the groups gnomAD compares: Admixed American, 0.29%; 7 homozygotes.

Submissions (14):

Labcorp Genetics (formerly Invitae), Labcorp
Classification: Benign. Last evaluated: 2026-01-27. Review status: criteria provided, single submitter. Criteria: Invitae Variant Classification Sherloc (09022015). Collection method: clinical testing. Allele origin: germline.

Blueprint Genetics
Classification: Likely benign. Last evaluated: 2024-11-26. Review status: criteria provided, single submitter. Criteria: ACMG Guidelines, 2015. Collection method: clinical testing. Allele origin: germline.

CeGaT Center for Human Genetics Tuebingen
Classification: Likely benign. Last evaluated: 2024-11-01. Review status: criteria provided, single submitter. Criteria: CeGaT Center For Human Genetics Tuebingen Variant Classification Criteria Version 2. Collection method: clinical testing. Allele origin: germline. Affected: yes. Observed: 2 variant alleles.
Comment: ARHGAP31: BP4, BS1

Genome-Nilou Lab
Classification: Benign for Adams-Oliver syndrome 1. Last evaluated: 2021-12-05. Review status: criteria provided, single submitter. Criteria: ACMG Guidelines, 2015. Collection method: clinical testing. Allele origin: germline. Affected: no.

GeneDx
Classification: Likely benign. Last evaluated: 2020-05-13. Review status: criteria provided, single submitter. Criteria: GeneDx Variant Classification Process June 2021. Collection method: clinical testing. Allele origin: germline. Affected: yes.

Eurofins Ntd Llc (ga)
Classification: Likely benign. Last evaluated: 2016-12-27. Review status: criteria provided, single submitter. Criteria: EGL Classification Definitions 2015. Collection method: clinical testing. Allele origin: germline. Observed: 3 variant alleles, 3 heterozygotes.

Breakthrough Genomics
Classification: Likely benign. Review status: criteria provided, single submitter. Criteria: ACMG Guidelines, 2015. Collection method: not provided. Allele origin: germline. Inheritance: Autosomal dominant inheritance. Affected: yes.

Clinical Genetics DNA and cytogenetics Diagnostics Lab, Erasmus MC, Erasmus Medical Center
Classification: Likely benign. Review status: no assertion criteria provided. Collection method: clinical testing. Allele origin: germline. Affected: yes. Study: VKGL Data-share Consensus. Not counted in ClinVar's aggregate classification.

Dr. Peter K. Rogan Lab, Western University
No classification provided (evidence only). Condition: Clear cell carcinoma of kidney. Review status: no classification provided. Collection method: in vitro. Allele origin: not applicable. Functional consequence: retained intron. Not counted in ClinVar's aggregate classification.

Dr. Peter K. Rogan Lab, Western University
No classification provided (evidence only). Condition: Lung cancer. Review status: no classification provided. Collection method: in vitro. Allele origin: not applicable. Functional consequence: retained intron. Not counted in ClinVar's aggregate classification.

Dr. Peter K. Rogan Lab, Western University
No classification provided (evidence only). Condition: Gastric cancer. Review status: no classification provided. Collection method: in vitro. Allele origin: not applicable. Functional consequence: retained intron. Not counted in ClinVar's aggregate classification.

Dr. Peter K. Rogan Lab, Western University
No classification provided (evidence only). Condition: Malignant tumor of esophagus. Review status: no classification provided. Collection method: in vitro. Allele origin: not applicable. Functional consequence: skipped exon. Not counted in ClinVar's aggregate classification.

Genome Diagnostics Laboratory, University Medical Center Utrecht
Classification: Likely benign. Review status: no assertion criteria provided. Collection method: clinical testing. Allele origin: germline. Affected: yes. Study: VKGL Data-share Consensus. Not counted in ClinVar's aggregate classification.

Laboratory of Diagnostic Genome Analysis, Leiden University Medical Center (LUMC)
Classification: Likely benign. Review status: no assertion criteria provided. Collection method: clinical testing. Allele origin: germline. Affected: yes. Study: VKGL Data-share Consensus. Not counted in ClinVar's aggregate classification.